The following is an entry in ClinVar:

ClinVar aggregate classification (germline): Uncertain significance (1 of 4 stars; one submission).

Conditions:
Methylmalonic acidemia due to transcobalamin receptor defect (MATR). Also called: METHYLMALONIC ACIDEMIA, TCblR TYPE; METHYLMALONIC ACIDURIA, TRANSIENT, DUE TO TRANSCOBALAMIN RECEPTOR DEFECT. Identifiers: Orphanet 280183, MedGen C4749905, MONDO:0013341, OMIM 613646.

gnomAD v4.1: 3 of 1,572,534 alleles (0.00019%); highest among the groups gnomAD compares: African/African-American, 0.0041%; no homozygotes.

Submission:

Labcorp Genetics (formerly Invitae), Labcorp
Classification: Uncertain significance for Methylmalonic acidemia due to transcobalamin receptor defect. Last evaluated: 2024-11-27. Review status: criteria provided, single submitter. Criteria: Invitae Variant Classification Sherloc (09022015). Collection method: clinical testing. Allele origin: germline.
Comment: This sequence change replaces aspartic acid, which is acidic and polar, with glutamic acid, which is acidic and polar, at codon 121 of the CD320 protein (p.Asp121Glu). This variant is not present in population databases (gnomAD no frequency). This variant has not been reported in the literature in individuals affected with CD320-related conditions. An algorithm developed to predict the effect of missense changes on protein structure and function (PolyPhen-2) suggests that this variant is likely to be tolerated. In summary, the available evidence is currently insufficient to determine the role of this variant in disease. Therefore, it has been classified as a Variant of Uncertain Significance.

NM_016579.4(CD320):c.363C>A (p.Asp121Glu)

Gene: CD320 (CD320 molecule; minus strand). Cytogenetic location: 19p13.2.
Variant type: single nucleotide variant.
Coding change: c.363C>A on transcript NM_016579.4 (MANE Select); coding-DNA position 363, C replaced by A.
Protein change: p.Asp121Glu; replaces aspartic acid 121 with glutamic acid.
Molecular consequence: missense variant.
Genome position (GRCh38, 1-based): chr19:8,303,994, G>T on the plus strand (C>A on the coding strand, the complement: CD320 is on the minus strand). VCF-style: chr19-8303994-G-T. GRCh37 (hg19) VCF-style: chr19-8368878-G-T.
Other names: c.237C>A, p.Asp79Glu (NM_001165895.2); short protein forms D121E, D79E.
Identifiers: ClinVar variation 3604575 (VCV003604575.2).
Genomic context (GRCh38, chr19:8,303,994, plus strand): 5'-CAGCGTGCAACGGAGCTCGCCTGCTAGGCAGGCCAGGCGGCTGCAGTTGCGCAGTTTCTT[G>T]TCAGTTCCCCCAGAGCAGTCACTGACGCCGGTGCAGGGGCAGGGGAGGCCAGGGGGCGGT-3'
Protein context (NP_057663.1, residues 111-131): TGVSDCSGGT[Asp121Glu]KKLRNCSRLA